The following is an entry in ClinVar:

NM_000289.6(PFKM):c.-8-4C>T

Gene: PFKM (phosphofructokinase, muscle; plus strand). Cytogenetic location: 12q13.11.
Variant type: single nucleotide variant.
Coding change: c.-8-4C>T on transcript NM_000289.6 (MANE Select); 4 bases into the intron before 8 bases upstream of the start codon, C replaced by T.
Molecular consequence: intron variant. On other transcripts: 5 prime UTR variant (1).
Genome position (GRCh38, 1-based): chr12:48,122,763, C>T. VCF-style: chr12-48122763-C-T. GRCh37 (hg19) VCF-style: chr12-48516546-C-T.
Other names: c.-12C>T (NM_001166688.2); c.17-4C>T (NM_001354741.2); c.-8-4C>T (NM_001354742.2, NM_001354743.2, NM_001354744.2 and 3 more transcripts); c.-84-4C>T (NM_001354747.2, NM_001354748.2); c.206-4C>T (NM_001166686.2, NM_001354737.1, NM_001354739.1 and 1 more transcripts); c.302-4C>T (NM_001354736.1, NM_001354735.1); c.137-4C>T (NM_001354740.1); c.-333-4C>T (NM_001354745.2).
Identifiers: ClinVar variation 3053121 (VCV003053121.2), dbSNP rs111282921, ClinGen allele CA6536821.

ClinVar aggregate classification (germline): Likely benign (0 of 4 stars; one submission).

Conditions:
PFKM-related disorder. Also called: PFKM-related condition.

Allele frequency attached by ClinVar (database versions not stated): TOPMed below 0.00001; ExAC 0.00001; gnomAD 0.00001.
gnomAD v4.1: 1 of 1,613,706 alleles (0.000062%); highest among the groups gnomAD compares: African/African-American, 0.0013%; no homozygotes.

Submission:

PreventionGenetics, part of Exact Sciences
Classification: Likely benign for PFKM-related condition. Last evaluated: 2019-08-21. Review status: no assertion criteria provided. Collection method: clinical testing. Allele origin: germline.
Comment: This variant is classified as likely benign based on ACMG/AMP sequence variant interpretation guidelines (Richards et al. 2015 PMID: 25741868, with internal and published modifications).